The following is an entry in ClinVar:

ClinVar aggregate classification (germline): Likely benign (1 of 4 stars; one submission).

Allele frequency attached by ClinVar (database versions not stated): gnomAD 0.00001; ExAC 0.00149.

Submission:

CeGaT Center for Human Genetics Tuebingen
Classification: Likely benign. Last evaluated: 2025-10-01. Review status: criteria provided, single submitter. Criteria: CeGaT Center For Human Genetics Tuebingen Variant Classification Criteria Version 2. Collection method: clinical testing. Allele origin: germline. Affected: yes. Observed: 2 variant alleles.
Comment: PRAMEF2: BP4, BP7

NM_023014.1(PRAMEF2):c.48C>T (p.Ser16=)

Gene: PRAMEF2 (PRAME family member 2; plus strand). Cytogenetic location: 1p36.21.
Variant type: single nucleotide variant.
Coding change: c.48C>T on transcript NM_023014.1 (MANE Select); coding-DNA position 48, C replaced by T.
Protein change: p.Ser16=; no amino-acid change (serine 16 retained).
Molecular consequence: synonymous variant.
Genome position (GRCh38, 1-based): chr1:12,859,057, C>T. VCF-style: chr1-12859057-C-T. GRCh37 (hg19) VCF-style: chr1-12918912-C-T.
Identifiers: ClinVar variation 3025848 (VCV003025848.22), dbSNP rs201787543, ClinGen allele CA607852.
Genomic context (GRCh38, chr1:12,859,057, plus strand): 5'-CAGATCCATCAGGATGAGCATCCAGGCCCCACCGAGACTACTGGAGCTGGCGGGGCAGAG[C>T]CTGCTGAGAGACCAGGCCTTGTCCATCTCTGCCATGGAGGAGCTGCCCAGGGTGCTCTAT-3'
Protein context (NP_075390.1, residues 6-26): PPRLLELAGQ[Ser16=]LLRDQALSIS